The following is an entry in ClinVar:

ClinVar aggregate classification (germline): Uncertain significance (1 of 4 stars; one submission).

Conditions:
Nemaline myopathy 2 (NEM2). Also called: Nemaline myopathy 2, autosomal recessive. Identifiers: MedGen C1850569, MONDO:0009725, OMIM 256030.

Allele frequency attached by ClinVar (database versions not stated): gnomAD exomes below 0.00001.
gnomAD v4.1: 2 of 1,613,988 alleles (0.00012%); highest among the groups gnomAD compares: Admixed American, 0.0033%; no homozygotes.

Submission:

Labcorp Genetics (formerly Invitae), Labcorp
Classification: Uncertain significance for Nemaline myopathy 2. Last evaluated: 2022-07-04. Review status: criteria provided, single submitter. Criteria: Invitae Variant Classification Sherloc (09022015). Collection method: clinical testing. Allele origin: germline.
Comment: This sequence change replaces serine, which is neutral and polar, with asparagine, which is neutral and polar, at codon 2601 of the NEB protein (p.Ser2601Asn). This variant is not present in population databases (gnomAD no frequency). This variant has not been reported in the literature in individuals affected with NEB-related conditions. Algorithms developed to predict the effect of missense changes on protein structure and function output the following: SIFT: "Tolerated"; PolyPhen-2: "Not Available"; Align-GVGD: "Class C0". The asparagine amino acid residue is found in multiple mammalian species, which suggests that this missense change does not adversely affect protein function. In summary, the available evidence is currently insufficient to determine the role of this variant in disease. Therefore, it has been classified as a Variant of Uncertain Significance.

NM_001164508.2(NEB):c.7802G>A (p.Ser2601Asn)

Gene: NEB (nebulin; minus strand). Cytogenetic location: 2q23.3.
Variant type: single nucleotide variant.
Coding change: c.7802G>A on transcript NM_001164508.2 (MANE Select); coding-DNA position 7802, G replaced by A.
Protein change: p.Ser2601Asn; replaces serine 2601 with asparagine.
Molecular consequence: missense variant.
Genome position (GRCh38, 1-based): chr2:151,643,972, C>T on the plus strand (G>A on the coding strand, the complement: NEB is on the minus strand). VCF-style: chr2-151643972-C-T. GRCh37 (hg19) VCF-style: chr2-152500486-C-T.
Other names: c.7802G>A, p.Ser2601Asn (NM_001164507.2, NM_001271208.2, NM_004543.5); short protein forms S2601N.
Identifiers: ClinVar variation 2198927 (VCV002198927.1), dbSNP rs2552247311, ClinGen allele CA348781863.